The following is an entry in ClinVar:

ClinVar aggregate classification (germline): Likely pathogenic (1 of 4 stars; one submission).

Conditions:
Leigh syndrome (NULS). Also called: Leigh's syndrome; Leigh Disease; Subacute necrotizing encephalopathy; Necrotizing encephalopathy infantile subacute of Leigh; LEIGH SYNDROME, NUCLEAR; Leigh's necrotizing encephalopathy. Identifiers: Orphanet 506, MedGen C2931891, MONDO:0009723, OMIM 256000.

gnomAD v4.1: 7 of 1,613,900 alleles (0.00043%); highest among the groups gnomAD compares: Non-Finnish European, 0.00059%; no homozygotes.

Submissions (2):

Labcorp Genetics (formerly Invitae), Labcorp
Classification: Likely pathogenic for Leigh syndrome. Last evaluated: 2025-10-06. Review status: criteria provided, single submitter. Criteria: Invitae Variant Classification Sherloc (09022015). Collection method: clinical testing. Allele origin: germline.
Comment: This sequence change replaces glycine, which is neutral and non-polar, with arginine, which is basic and polar, at codon 124 of the SURF1 protein (p.Gly124Arg). This variant is present in population databases (rs782033035, gnomAD 0.003%). This missense change has been observed in individual(s) with Leigh syndrome (PMID: 10558868). Invitae Evidence Modeling of protein sequence and biophysical properties (such as structural, functional, and spatial information, amino acid conservation, physicochemical variation, residue mobility, and thermodynamic stability) indicates that this missense variant is expected to disrupt SURF1 protein function with a positive predictive value of 95%. This variant disrupts the p.Gly124 amino acid residue in SURF1. Other variant(s) that disrupt this residue have been determined to be pathogenic (PMID: 10746561, 20624914). This suggests that this residue is clinically significant, and that variants that disrupt this residue are likely to be disease-causing. In summary, the currently available evidence indicates that the variant is pathogenic, but additional data are needed to prove that conclusively. Therefore, this variant has been classified as Likely Pathogenic.

Dr. Peter K. Rogan Lab, Western University
No classification provided (evidence only). Condition: Melanoma. Review status: no classification provided. Collection method: in vitro. Allele origin: not applicable. Functional consequence: retained intron. Not counted in ClinVar's aggregate classification.

Literature cited by the submitters: PubMed 10558868 (cited by Labcorp Genetics (formerly Invitae), Labcorp); PubMed 10746561 (cited by Labcorp Genetics (formerly Invitae), Labcorp); PubMed 20624914 (cited by Labcorp Genetics (formerly Invitae), Labcorp).

NM_003172.4(SURF1):c.370G>A (p.Gly124Arg)

Gene: SURF1 (SURF1 cytochrome c oxidase assembly factor; minus strand). Cytogenetic location: 9q34.2.
Variant type: single nucleotide variant.
Coding change: c.370G>A on transcript NM_003172.4 (MANE Select); coding-DNA position 370, G replaced by A.
Protein change: p.Gly124Arg; replaces glycine 124 with arginine.
Molecular consequence: missense variant.
Genome position (GRCh38, 1-based): chr9:133,353,894, C>T on the plus strand (G>A on the coding strand, the complement: SURF1 is on the minus strand). VCF-style: chr9-133353894-C-T. GRCh37 (hg19) VCF-style: chr9-136220749-C-T.
Other names: NC_000009.11:g.136220749C>T; c.43G>A, p.Gly15Arg (NM_001280787.1); short protein forms G15R, G124R.
Identifiers: ClinVar variation 4353612 (VCV004353612.2).